The following is an entry in ClinVar:

ClinVar aggregate classification (germline): Likely benign. Review status: criteria provided, single submitter (1 of 4 stars). 2 submissions from 2 submitters: Likely benign (1). 1 of the submissions does not count toward it. Last evaluated 2025-01-20.

Conditions:
CDK12-related disorder. Also called: CDK12-related condition.

Allele frequency attached by ClinVar (database versions not stated): gnomAD 0.00001; gnomAD exomes 0.00001; ExAC 0.00002.
gnomAD v4.1: 17 of 1,614,034 alleles (0.0011%); highest among the groups gnomAD compares: South Asian, 0.016%; no homozygotes.

Submissions (2):

Ambry Genetics
Classification: Likely benign. Last evaluated: 2025-01-20. Review status: criteria provided, single submitter. Criteria: Ambry Variant Classification Scheme 2023. Collection method: clinical testing. Allele origin: germline.

PreventionGenetics, part of Exact Sciences
Classification: Likely benign for CDK12-related condition. Last evaluated: 2019-06-30. Review status: no assertion criteria provided. Collection method: clinical testing. Allele origin: germline. Not counted in ClinVar's aggregate classification.
Comment: This variant is classified as likely benign based on ACMG/AMP sequence variant interpretation guidelines (Richards et al. 2015 PMID: 25741868, with internal and published modifications).

NM_016507.4(CDK12):c.1815A>G (p.Val605=)

Gene: CDK12 (cyclin dependent kinase 12; plus strand). Cytogenetic location: 17q12.
Variant type: single nucleotide variant.
Coding change: c.1815A>G on transcript NM_016507.4 (MANE Select); coding-DNA position 1815, A replaced by G.
Protein change: p.Val605=; no amino-acid change (valine 605 retained).
Molecular consequence: synonymous variant.
Genome position (GRCh38, 1-based): chr17:39,471,647, A>G. VCF-style: chr17-39471647-A-G. GRCh37 (hg19) VCF-style: chr17-37627900-A-G.
Other names: c.1815A>G, p.Val605= (NM_015083.4); c.1815A>G (NM_016507.2).
Identifiers: ClinVar variation 3042823 (VCV003042823.3), dbSNP rs749425751, ClinGen allele CA8531203.